The following is an entry in ClinVar:

ClinVar aggregate classification (germline): Likely pathogenic (1 of 4 stars; one submission).

Conditions:
Autosomal recessive nonsyndromic hearing loss 18B. Also called: Deafness, autosomal recessive 18b. Identifiers: Orphanet 90636, MedGen C3554163, MONDO:0013985, OMIM 614945.

gnomAD v4.1: 16 of 1,550,512 alleles (0.001%); highest among the groups gnomAD compares: South Asian, 0.0095%; no homozygotes.

Submission:

Juno Genomics, Hangzhou Juno Genomics, Inc
Classification: Likely pathogenic for Autosomal recessive nonsyndromic hearing loss 18B. Review status: criteria provided, single submitter. Criteria: ACMG Guidelines, 2015. Collection method: clinical testing. Allele origin: germline.
Comment: Null variant in a gene where loss of function (LOF) is a known mechanism of disease.;Absent from controls (or at extremely low frequency if recessive) in Genome Aggregation Database.

NM_001292063.2(OTOG):c.4867C>T (p.Arg1623Ter)

Gene: OTOG (otogelin; plus strand). Cytogenetic location: 11p15.1.
Variant type: single nucleotide variant.
Coding change: c.4867C>T on transcript NM_001292063.2 (MANE Select); coding-DNA position 4867, C replaced by T.
Protein change: p.Arg1623Ter; replaces arginine 1623 with a stop codon.
Molecular consequence: nonsense.
Genome position (GRCh38, 1-based): chr11:17,610,167, C>T. VCF-style: chr11-17610167-C-T. GRCh37 (hg19) VCF-style: chr11-17631714-C-T.
Other names: c.4903C>T, p.Arg1635Ter (NM_001277269.2); short protein forms R1623*, R1635*.
Identifiers: ClinVar variation 5007841 (VCV005007841.2).